The following is an entry in ClinVar:

NM_013352.4(DSE):c.78C>A (p.Asp26Glu)

Gene: DSE (dermatan sulfate epimerase; plus strand). Cytogenetic location: 6q22.1.
Variant type: single nucleotide variant.
Coding change: c.78C>A on transcript NM_013352.4 (MANE Select); coding-DNA position 78, C replaced by A.
Protein change: p.Asp26Glu; replaces aspartic acid 26 with glutamic acid.
Molecular consequence: missense variant. On other transcripts: 5 prime UTR variant (4), non-coding transcript variant (1).
Genome position (GRCh38, 1-based): chr6:116,399,328, C>A. VCF-style: chr6-116399328-C-A. GRCh37 (hg19) VCF-style: chr6-116720491-C-A.
Other names: c.78C>A, p.Asp26Glu (NM_001080976.3, NM_001322937.2, NM_001322938.2 and 3 more transcripts); c.135C>A, p.Asp45Glu (NM_001322939.2); c.-480C>A (NM_001322940.2, NM_001322941.2); c.-823C>A (NM_001374520.1); c.-510C>A (NM_001374521.1); c.78C>A (NM_013352.2); short protein forms D26E, D45E.
Identifiers: ClinVar variation 2074841 (VCV002074841.4), dbSNP rs146524076, ClinGen allele CA3969454.

ClinVar aggregate classification (germline): Uncertain significance. Review status: criteria provided, multiple submitters, no conflicts (2 of 4 stars). 4 submissions from 4 submitters: Uncertain significance (4). Last evaluated 2025-11-13.

Conditions:
Inborn genetic diseases. Identifiers: MedGen C0950123, MeSH D030342.
Ehlers-Danlos syndrome, musculocontractural type 2 (EDSMC2). Identifiers: Orphanet 2953, MedGen C3809845, MONDO:0014236, OMIM 615539.

Allele frequency attached by ClinVar (database versions not stated): ExAC 0.00005; ESP Exome Variant Server 0.00015.
gnomAD v4.1: 54 of 1,613,932 alleles (0.0033%); highest among the groups gnomAD compares: African/African-American, 0.056%; no homozygotes.

Submissions (4):

Ambry Genetics
Classification: Uncertain significance for Inborn genetic diseases. Last evaluated: 2025-11-13. Review status: criteria provided, single submitter. Criteria: Ambry Variant Classification Scheme 2023. Collection method: clinical testing. Allele origin: germline.

Women's Health and Genetics/Laboratory Corporation of America, LabCorp
Classification: Uncertain significance. Last evaluated: 2025-03-25. Review status: criteria provided, single submitter. Criteria: LabCorp Variant Classification Summary - May 2015. Collection method: clinical testing. Allele origin: germline.
Comment: Variant summary: DSE c.78C>A (p.Asp26Glu) results in a conservative amino acid change in the encoded protein sequence. Four of four in-silico tools predict a benign effect of the variant on protein function. The variant allele was found at a frequency of 3.6e-05 in 251394 control chromosomes. The available data on variant occurrences in the general population are insufficient to allow any conclusion about variant significance. To our knowledge, no occurrence of c.78C>A in individuals affected with Ehlers-Danlos syndrome, musculocontractural type 2 and no experimental evidence demonstrating its impact on protein function have been reported. ClinVar contains an entry for this variant (Variation ID: 2074841). Based on the evidence outlined above, the variant was classified as uncertain significance.

GeneDx
Classification: Uncertain significance. Last evaluated: 2025-01-29. Review status: criteria provided, single submitter. Criteria: GeneDx Variant Classification Process June 2021. Collection method: clinical testing. Allele origin: germline. Affected: yes.
Comment: In silico analysis indicates that this missense variant does not alter protein structure/function; Has not been previously published as pathogenic or benign to our knowledge

Labcorp Genetics (formerly Invitae), Labcorp
Classification: Uncertain significance for Ehlers-Danlos syndrome, musculocontractural type 2. Last evaluated: 2021-12-24. Review status: criteria provided, single submitter. Criteria: Invitae Variant Classification Sherloc (09022015). Collection method: clinical testing. Allele origin: germline.
Comment: This sequence change replaces aspartic acid, which is acidic and polar, with glutamic acid, which is acidic and polar, at codon 26 of the DSE protein (p.Asp26Glu). This variant is present in population databases (rs146524076, gnomAD 0.04%). This variant has not been reported in the literature in individuals affected with DSE-related conditions. Algorithms developed to predict the effect of missense changes on protein structure and function are either unavailable or do not agree on the potential impact of this missense change (SIFT: "Not Available"; PolyPhen-2: "Benign"; Align-GVGD: "Not Available"). In summary, the available evidence is currently insufficient to determine the role of this variant in disease. Therefore, it has been classified as a Variant of Uncertain Significance.